The following is an entry in ClinVar:

NM_014236.4(GNPAT):c.299G>A (p.Arg100Gln)

Gene: GNPAT (glyceronephosphate O-acyltransferase; plus strand). Cytogenetic location: 1q42.2.
Variant type: single nucleotide variant.
Coding change: c.299G>A on transcript NM_014236.4 (MANE Select); coding-DNA position 299, G replaced by A.
Protein change: p.Arg100Gln; replaces arginine 100 with glutamine.
Molecular consequence: missense variant.
Genome position (GRCh38, 1-based): chr1:231,260,544, G>A. VCF-style: chr1-231260544-G-A. GRCh37 (hg19) VCF-style: chr1-231396290-G-A.
Other names: c.116G>A, p.Arg39Gln (NM_001316350.2); short protein forms R39Q, R100Q.
Identifiers: ClinVar variation 2203002 (VCV002203002.1), dbSNP rs1163651890, ClinGen allele CA345231396.

ClinVar aggregate classification (germline): Uncertain significance (1 of 4 stars; one submission).

Allele frequency attached by ClinVar (database versions not stated): gnomAD 0.00001; gnomAD exomes 0.00003; TOPMed 0.00003.
gnomAD v4.1: 41 of 1,610,600 alleles (0.0025%); highest among the groups gnomAD compares: East Asian, 0.02%; no homozygotes.

Submission:

Labcorp Genetics (formerly Invitae), Labcorp
Classification: Uncertain significance. Last evaluated: 2022-02-09. Review status: criteria provided, single submitter. Criteria: Invitae Variant Classification Sherloc (09022015). Collection method: clinical testing. Allele origin: germline.
Comment: This sequence change replaces arginine, which is basic and polar, with glutamine, which is neutral and polar, at codon 100 of the GNPAT protein (p.Arg100Gln). This variant is present in population databases (no rsID available, gnomAD 0.02%). This variant has not been reported in the literature in individuals affected with GNPAT-related conditions. Algorithms developed to predict the effect of missense changes on protein structure and function output the following: SIFT: "Tolerated"; PolyPhen-2: "Benign"; Align-GVGD: "Class C0". The glutamine amino acid residue is found in multiple mammalian species, which suggests that this missense change does not adversely affect protein function. In summary, the available evidence is currently insufficient to determine the role of this variant in disease. Therefore, it has been classified as a Variant of Uncertain Significance.